The following is an entry in ClinVar:

NM_005359.6(SMAD4):c.387T>C (p.Asn129=)

Gene: SMAD4 (SMAD family member 4; plus strand). Cytogenetic location: 18q21.2.
Variant type: single nucleotide variant.
Coding change: c.387T>C on transcript NM_005359.6 (MANE Select); coding-DNA position 387, T replaced by C.
Protein change: p.Asn129=; no amino-acid change (asparagine 129 retained).
Molecular consequence: synonymous variant.
Genome position (GRCh38, 1-based): chr18:51,048,823, T>C. VCF-style: chr18-51048823-T-C. GRCh37 (hg19) VCF-style: chr18-48575193-T-C.
Identifiers: ClinVar variation 385768 (VCV000385768.17), dbSNP rs150229208, ClinGen allele CA16607945.

ClinVar aggregate classification (germline): Benign/Likely benign. Review status: criteria provided, multiple submitters, no conflicts (2 of 4 stars). 6 submissions from 6 submitters: Benign (1); Likely benign (5). Last evaluated 2025-12-08.

Conditions:
Hereditary cancer-predisposing syndrome. Also called: Neoplastic Syndromes, Hereditary; Hereditary Cancer Syndrome; Hereditary neoplastic syndrome; Tumor predisposition. Identifiers: Orphanet 140162, MedGen C0027672, MeSH D009386, MONDO:0015356.
Familial thoracic aortic aneurysm and aortic dissection (TAAD). Also called: Thoracic aortic aneurysms and dissections. Identifiers: Orphanet 91387, MedGen C4707243, MONDO:0019625.
Juvenile polyposis syndrome (JPS). Identifiers: Orphanet 2929, MedGen C0345893, MONDO:0017380, OMIM 174900.
Juvenile polyposis/hereditary hemorrhagic telangiectasia syndrome (JPHT). Also called: POLYPOSIS, GENERALIZED JUVENILE, WITH PULMONARY ARTERIOVENOUS MALFORMATION; TELANGIECTASIA, HEREDITARY HEMORRHAGIC, WITH JUVENILE POLYPOSIS COLI; Juvenile Polyposis Syndrome / Hereditary Hemorrhagic Telangiectasia (JPS/HHT); JP/HHT SYNDROME; JUVENILE POLYPOSIS WITH HEREDITARY HEMORRHAGIC TELANGIECTASIA. Identifiers: Orphanet 2929, MedGen C1832942, MONDO:0008278, OMIM 175050.

Allele frequency attached by ClinVar (database versions not stated): gnomAD exomes below 0.00001 and 0.00001; gnomAD 0.00001; TOPMed 0.00002; ESP Exome Variant Server 0.00008.
gnomAD v4.1: 10 of 1,613,900 alleles (0.00062%); highest among the groups gnomAD compares: Non-Finnish European, 0.00085%; no homozygotes.

Submissions (6):

Labcorp Genetics (formerly Invitae), Labcorp
Classification: Likely benign for Juvenile polyposis syndrome. Last evaluated: 2025-12-08. Review status: criteria provided, single submitter. Criteria: Invitae Variant Classification Sherloc (09022015). Collection method: clinical testing. Allele origin: germline.

Myriad Genetics, Inc.
Classification: Benign for Juvenile polyposis/hereditary hemorrhagic telangiectasia syndrome. Last evaluated: 2025-03-18. Review status: criteria provided, single submitter. Criteria: Myriad Autosomal Dominant, Autosomal Recessive and X-Linked Classification Criteria (2023). Collection method: clinical testing. Allele origin: unknown.
Comment: This variant is considered benign. This variant is a silent/synonymous amino acid change and it is not expected to impact splicing.

All of Us Research Program, National Institutes of Health
Classification: Likely benign for Juvenile polyposis/hereditary hemorrhagic telangiectasia syndrome. Last evaluated: 2024-09-23. Review status: criteria provided, single submitter. Criteria: ACMG Guidelines, 2015. Collection method: clinical testing. Allele origin: germline. Inheritance: Autosomal dominant inheritance. Observed: 2 variant alleles, 2 heterozygotes.
Comment: This study involves interpretation of variants in research participants for the purpose of population health screening. Participant phenotype was not available at the time of variant classification. Additional details can be found in publication PMID: 35346344, PMCID: PMC8962531

Color Diagnostics, LLC DBA Color Health
Classification: Likely benign for Hereditary cancer-predisposing syndrome. Last evaluated: 2018-04-17. Review status: criteria provided, single submitter. Criteria: ACMG Guidelines, 2015. Collection method: clinical testing. Allele origin: germline.

GeneDx
Classification: Likely benign. Last evaluated: 2017-10-24. Review status: criteria provided, single submitter. Criteria: GeneDx Variant Classification (06012015). Collection method: clinical testing. Allele origin: germline. Affected: yes.
Comment: This variant is considered likely benign or benign based on one or more of the following criteria: it is a conservative change, it occurs at a poorly conserved position in the protein, it is predicted to be benign by multiple in silico algorithms, and/or has population frequency not consistent with disease.

Ambry Genetics
Classification: Likely benign for Hereditary cancer-predisposing syndrome; Familial thoracic aortic aneurysm and aortic dissection. Last evaluated: 2016-09-25. Review status: criteria provided, single submitter. Criteria: Ambry Variant Classification Scheme 2023. Collection method: clinical testing. Allele origin: germline.